The following is an entry in ClinVar:

ClinVar aggregate classification (germline): Uncertain significance (1 of 4 stars; one submission).

Submission:

Labcorp Genetics (formerly Invitae), Labcorp
Classification: Uncertain significance. Last evaluated: 2023-12-18. Review status: criteria provided, single submitter. Criteria: Invitae Variant Classification Sherloc (09022015). Collection method: clinical testing. Allele origin: germline.
Comment: This sequence change creates a premature translational stop signal (p.Leu2981Glnfs*66) in the DCHS1 gene. While this is not anticipated to result in nonsense mediated decay, it is expected to disrupt the last 318 amino acid(s) of the DCHS1 protein. This variant is not present in population databases (gnomAD no frequency). This variant has not been reported in the literature in individuals affected with DCHS1-related conditions. Experimental studies and prediction algorithms are not available or were not evaluated, and the functional significance of this variant is currently unknown. In summary, the available evidence is currently insufficient to determine the role of this variant in disease. Therefore, it has been classified as a Variant of Uncertain Significance.

NM_003737.4(DCHS1):c.8942del (p.Leu2981fs)

Gene: DCHS1 (dachsous cadherin-related 1; minus strand). Cytogenetic location: 11p15.4.
Variant type: Deletion.
Coding change: c.8942del on transcript NM_003737.4 (MANE Select); coding-DNA position 8942, one base deleted (T; older notation c.8942delT).
Protein change: p.Leu2981fs; shifts the reading frame from leucine 2981.
Molecular consequence: frameshift variant.
Genome position (GRCh38, 1-based): chr11:6,622,734, A deleted on the plus strand (T on the coding strand, the reverse complement: DCHS1 is on the minus strand). VCF-style (leftmost placement, unchanged base first): chr11-6622733-TA-T. GRCh37 (hg19) VCF-style: chr11-6643964-TA-T.
Other names: short protein forms L2981fs.
Identifiers: ClinVar variation 2703985 (VCV002703985.3), dbSNP rs2493809672, ClinGen allele CA2697548414.
Genomic context (GRCh38, chr11:6,622,733, plus strand): 5'-GTGCTCAGAGGGTGGTGGACTAGGTGGCTCCCGGCCCAGTTTCTGCAGTGAGTCACTGGC[TA>T]GGGGTGCTGCCTGTGACATTGGGCCAGGGGCTGCCTCAGCCTTGCGGCTACGGGCCCGAA-3'